The following is an entry in ClinVar:

NM_001368397.1(FRMPD4):c.1034C>T (p.Thr345Ile)

Gene: FRMPD4 (FERM and PDZ domain containing 4; plus strand). Cytogenetic location: Xp22.2.
Variant type: single nucleotide variant.
Coding change: c.1034C>T on transcript NM_001368397.1 (MANE Select); coding-DNA position 1034, C replaced by T.
Protein change: p.Thr345Ile; replaces threonine 345 with isoleucine.
Molecular consequence: missense variant.
Genome position (GRCh38, 1-based): chrX:12,701,974, C>T. VCF-style: chrX-12701974-C-T. GRCh37 (hg19) VCF-style: chrX-12720093-C-T.
Other names: c.1145C>T, p.Thr382Ile (NM_001368395.3, NM_001368398.3); c.1040C>T, p.Thr347Ile (NM_001368396.3); c.1025C>T, p.Thr342Ile (NM_001368399.3); c.914C>T, p.Thr305Ile (NM_001368400.3); c.1010C>T, p.Thr337Ile (NM_001368401.1, NM_001368402.3); c.1034C>T, p.Thr345Ile (NM_014728.3); short protein forms T337I, T345I, T305I, T347I, T342I, T382I.
Identifiers: ClinVar variation 4088024 (VCV004088024.1).

ClinVar aggregate classification (germline): Uncertain significance (1 of 4 stars; one submission).

Submission:

GeneDx
Classification: Uncertain significance. Last evaluated: 2025-03-26. Review status: criteria provided, single submitter. Criteria: GeneDx Variant Classification Process June 2021. Collection method: clinical testing. Allele origin: germline. Affected: yes.
Comment: Not observed at significant frequency in large population cohorts (gnomAD); In silico analysis supports that this missense variant has a deleterious effect on protein structure/function; Has not been previously published as pathogenic or benign to our knowledge